The following is an entry in ClinVar:

ClinVar aggregate classification (germline): Uncertain significance (1 of 4 stars; one submission).

gnomAD v4.1: 1 of 1,614,116 alleles (0.000062%); highest among the groups gnomAD compares: Non-Finnish European, 0.000085%; no homozygotes.

Submission:

GeneDx
Classification: Uncertain significance. Last evaluated: 2025-05-29. Review status: criteria provided, single submitter. Criteria: GeneDx Variant Classification Process June 2021. Collection method: clinical testing. Allele origin: germline. Affected: yes.
Comment: Not observed at significant frequency in large population cohorts (gnomAD); In silico analysis supports that this missense variant has a deleterious effect on protein structure/function; Has not been previously published as pathogenic or benign to our knowledge

NM_007103.4(NDUFV1):c.103C>G (p.Leu35Val)

Gene: NDUFV1 (NADH:ubiquinone oxidoreductase core subunit V1; plus strand). Cytogenetic location: 11q13.2.
Variant type: single nucleotide variant.
Coding change: c.103C>G on transcript NM_007103.4 (MANE Select); coding-DNA position 103, C replaced by G.
Protein change: p.Leu35Val; replaces leucine 35 with valine.
Molecular consequence: missense variant.
Genome position (GRCh38, 1-based): chr11:67,608,426, C>G. VCF-style: chr11-67608426-C-G. GRCh37 (hg19) VCF-style: chr11-67375897-C-G.
Other names: c.76C>G, p.Leu26Val (NM_001166102.2); short protein forms L26V, L35V.
Identifiers: ClinVar variation 4532529 (VCV004532529.1).
Genomic context (GRCh38, chr11:67,608,426, plus strand): 5'-TCTGGGCCTCCTGACCCTTTGTCTCCCTAGACAGCACCCAAGAAAACCTCATTTGGCTCG[C>G]TGAAGGATGAAGACCGGATTTTCACCAACCTGTACGGCCGCCATGACTGGAGGTGAGACA-3'
Protein context (NP_009034.2, residues 25-45): TAPKKTSFGS[Leu35Val]KDEDRIFTNL